The following is an entry in ClinVar:

ClinVar aggregate classification (germline): Uncertain significance. Review status: criteria provided, multiple submitters, no conflicts (2 of 4 stars). 2 submissions from 2 submitters: Uncertain significance (2). Last evaluated 2026-01-04.

Conditions:
Oligodontia-cancer predisposition syndrome. Also called: TOOTH AGENESIS-COLORECTAL CANCER SYNDROME. Identifiers: Orphanet 300576, MedGen C1837750, MONDO:0012075, OMIM 608615. Disease mechanism: loss of function.
Hereditary cancer-predisposing syndrome. Also called: Tumor predisposition; Hereditary neoplastic syndrome; Neoplastic Syndromes, Hereditary; Hereditary Cancer Syndrome. Identifiers: Orphanet 140162, MedGen C0027672, MeSH D009386, MONDO:0015356.

Allele frequency attached by ClinVar (database versions not stated): TOPMed below 0.00001; gnomAD exomes 0.00001.
gnomAD v4.1: 12 of 1,613,880 alleles (0.00074%); highest among the groups gnomAD compares: Admixed American, 0.0033%; no homozygotes.

Submissions (2):

Labcorp Genetics (formerly Invitae), Labcorp
Classification: Uncertain significance for Oligodontia-cancer predisposition syndrome. Last evaluated: 2026-01-04. Review status: criteria provided, single submitter. Criteria: Invitae Variant Classification Sherloc (09022015). Collection method: clinical testing. Allele origin: germline.
Comment: This sequence change replaces glycine, which is neutral and non-polar, with valine, which is neutral and non-polar, at codon 664 of the AXIN2 protein (p.Gly664Val). This variant is present in population databases (no rsID available, gnomAD 0.006%). This variant has not been reported in the literature in individuals affected with AXIN2-related conditions. ClinVar contains an entry for this variant (Variation ID: 859178). Invitae Evidence Modeling of protein sequence and biophysical properties (such as structural, functional, and spatial information, amino acid conservation, physicochemical variation, residue mobility, and thermodynamic stability) indicates that this missense variant is not expected to disrupt AXIN2 protein function with a negative predictive value of 80%. In summary, the available evidence is currently insufficient to determine the role of this variant in disease. Therefore, it has been classified as a Variant of Uncertain Significance.

Ambry Genetics
Classification: Uncertain significance for Hereditary cancer-predisposing syndrome. Last evaluated: 2025-08-25. Review status: criteria provided, single submitter. Criteria: Ambry Variant Classification Scheme 2023. Collection method: clinical testing. Allele origin: germline.
Comment: The p.G664V variant (also known as c.1991G>T), located in coding exon 7 of the AXIN2 gene, results from a G to T substitution at nucleotide position 1991. The glycine at codon 664 is replaced by valine, an amino acid with dissimilar properties. This amino acid position is well conserved in available vertebrate species. In addition, this alteration is predicted to be tolerated by in silico analysis. Since supporting evidence is limited at this time, the clinical significance of this alteration remains unclear.

NM_004655.4(AXIN2):c.1991G>T (p.Gly664Val)

Gene: AXIN2 (axin 2; minus strand). Cytogenetic location: 17q24.1.
Variant type: single nucleotide variant.
Coding change: c.1991G>T on transcript NM_004655.4 (MANE Select); coding-DNA position 1991, G replaced by T.
Protein change: p.Gly664Val; replaces glycine 664 with valine.
Molecular consequence: missense variant.
Genome position (GRCh38, 1-based): chr17:65,536,470, C>A on the plus strand (G>T on the coding strand, the complement: AXIN2 is on the minus strand). VCF-style: chr17-65536470-C-A. GRCh37 (hg19) VCF-style: chr17-63532588-C-A.
Other names: c.1796G>T, p.Gly599Val (NM_001363813.1); short protein forms G599V, G664V.
Identifiers: ClinVar variation 859178 (VCV000859178.11), dbSNP rs1398162976, ClinGen allele CA400676195.